The following is an entry in ClinVar:

NM_000548.5(TSC2):c.1716+15C>T

Gene: TSC2 (TSC complex subunit 2; plus strand). Cytogenetic location: 16p13.3.
Variant type: single nucleotide variant.
Coding change: c.1716+15C>T on transcript NM_000548.5 (MANE Select); 15 bases into the intron after coding-DNA position 1716, C replaced by T.
Molecular consequence: intron variant.
Genome position (GRCh38, 1-based): chr16:2,065,650, C>T. VCF-style: chr16-2065650-C-T. GRCh37 (hg19) VCF-style: chr16-2115651-C-T.
Other names: c.1716+15C>T (NM_001114382.3, NM_021055.3, NM_001370405.1 and 3 more transcripts); c.1605+15C>T (NM_001318827.2); c.1116+15C>T (NM_001318831.2); c.1569+15C>T (NM_001318829.2); c.1749+15C>T (NM_001318832.2).
Identifiers: ClinVar variation 391660 (VCV000391660.9), dbSNP rs199964793, ClinGen allele CA032370.

ClinVar aggregate classification (germline): Benign/Likely benign. Review status: criteria provided, multiple submitters, no conflicts (2 of 4 stars). 3 submissions from 3 submitters: Benign (1); Likely benign (2). Last evaluated 2026-01-31.

Conditions:
Tuberous sclerosis 2 (TSC2). Identifiers: Orphanet 805, MedGen C1860707, MONDO:0013199, OMIM 613254.

Allele frequency attached by ClinVar (database versions not stated): ExAC 0.00005; TOPMed 0.00007.
gnomAD v4.1: 55 of 1,608,646 alleles (0.0034%); highest among the groups gnomAD compares: Non-Finnish European, 0.0042%; no homozygotes.

Submissions (3):

Labcorp Genetics (formerly Invitae), Labcorp
Classification: Benign for Tuberous sclerosis 2. Last evaluated: 2026-01-31. Review status: criteria provided, single submitter. Criteria: Invitae Variant Classification Sherloc (09022015). Collection method: clinical testing. Allele origin: germline.

Blueprint Genetics
Classification: Likely benign. Last evaluated: 2019-03-15. Review status: criteria provided, single submitter. Criteria: ACMG Guidelines, 2015. Collection method: clinical testing. Allele origin: germline.

GeneDx
Classification: Likely benign. Last evaluated: 2016-12-07. Review status: criteria provided, single submitter. Criteria: GeneDx Variant Classification (06012015). Collection method: clinical testing. Allele origin: germline. Affected: yes.
Comment: This variant is considered likely benign or benign based on one or more of the following criteria: it is a conservative change, it occurs at a poorly conserved position in the protein, it is predicted to be benign by multiple in silico algorithms, and/or has population frequency not consistent with disease.